The following is an entry in ClinVar:

NM_001267550.2(TTN):c.102928G>A (p.Glu34310Lys)

Genes: TTN (titin; minus strand), TTN-AS1 (TTN antisense RNA 1; plus strand). Cytogenetic location: 2q31.2.
Variant type: single nucleotide variant.
Coding change: c.102928G>A on transcript NM_001267550.2 (MANE Select); coding-DNA position 102928, G replaced by A.
Protein change: p.Glu34310Lys; replaces glutamic acid 34310 with lysine.
Molecular consequence: missense variant.
Genome position (GRCh38, 1-based): chr2:178,533,687, C>T on the plus strand (G>A on the coding strand, the complement: TTN is on the minus strand). VCF-style: chr2-178533687-C-T. GRCh37 (hg19) VCF-style: chr2-179398414-C-T.
Other names: c.98005G>A, p.Glu32669Lys (NM_001256850.1); c.75733G>A, p.Glu25245Lys (NM_003319.4); c.95224G>A, p.Glu31742Lys (NM_133378.4); c.76108G>A, p.Glu25370Lys (NM_133432.3); c.76309G>A, p.Glu25437Lys (NM_133437.4); short protein forms E25245K, E25370K, E25437K, E31742K, E32669K, E34310K.
Identifiers: ClinVar variation 1284364 (VCV001284364.9), dbSNP rs768930172, ClinGen allele CA1985683.

ClinVar aggregate classification (germline): Uncertain significance. Review status: criteria provided, multiple submitters, no conflicts (2 of 4 stars). 5 submissions from 5 submitters: Uncertain significance (3). 2 of the submissions do not count toward it. Last evaluated 2026-01-18.

Conditions:
Cardiovascular phenotype. Identifiers: MedGen CN230736.
Autosomal recessive limb-girdle muscular dystrophy type 2J (LGMDR10). Also called: Limb-girdle muscular dystrophy, type 2J; MUSCULAR DYSTROPHY, LIMB-GIRDLE, AUTOSOMAL RECESSIVE 10. Identifiers: Orphanet 140922, MedGen C1837342, MONDO:0012127, OMIM 608807.
Dilated cardiomyopathy 1G (CMD1G). Identifiers: Orphanet 154, MedGen C1858763, MONDO:0011400, OMIM 604145.
Hypertrophic cardiomyopathy 9. Also called: Familial hypertrophic cardiomyopathy 9. Identifiers: MedGen C1861065, MONDO:0013412, OMIM 613765.
Early-onset myopathy with fatal cardiomyopathy (CMYO5). Also called: CONGENITAL MYOPATHY 5 WITH CARDIOMYOPATHY; Salih Myopathy. Identifiers: Orphanet 289377, MedGen C2673677, MONDO:0012714, OMIM 611705. Disease mechanism: loss of function.
Myopathy, myofibrillar, 9, with early respiratory failure (MFM9). Also called: Hereditary myopathy with early respiratory failure; EDSTROM MYOPATHY; MYOPATHY, PROXIMAL, WITH EARLY RESPIRATORY MUSCLE INVOLVEMENT; Myopathy, distal, with early respiratory failure, autosomal dominant. Identifiers: Orphanet 178464, Orphanet 34521, MedGen C1863599, MONDO:0011362, OMIM 603689.
Tibial muscular dystrophy (TMD). Also called: Udd Distal Myopathy – Tibial Muscular Dystrophy; UDD MYOPATHY; Tibial muscular dystrophy, tardive. Identifiers: Orphanet 609, MedGen C1838244, MONDO:0010870, OMIM 600334.

Allele frequency attached by ClinVar (database versions not stated): gnomAD exomes below 0.00001; TOPMed below 0.00001; ExAC 0.00001; gnomAD 0.00001.
gnomAD v4.1: 4 of 1,613,812 alleles (0.00025%); highest among the groups gnomAD compares: African/African-American, 0.004%; no homozygotes.

Submissions (5):

Labcorp Genetics (formerly Invitae), Labcorp
Classification: Uncertain significance for Dilated cardiomyopathy 1G; Autosomal recessive limb-girdle muscular dystrophy type 2J. Last evaluated: 2026-01-18. Review status: criteria provided, single submitter. Criteria: Invitae Variant Classification Sherloc (09022015). Collection method: clinical testing. Allele origin: germline.
Comment: This sequence change replaces glutamic acid, which is acidic and polar, with lysine, which is basic and polar, at codon 34310 of the TTN protein (p.Glu34310Lys). This variant is present in population databases (rs768930172, gnomAD 0.0009%). This missense change has been observed in individual(s) with arrhythmogenic cardiomyopathy (PMID: 30847666). ClinVar contains an entry for this variant (Variation ID: 1284364). Experimental studies and prediction algorithms are not available or were not evaluated, and the functional significance of this variant is currently unknown. In summary, the available evidence is currently insufficient to determine the role of this variant in disease. Therefore, it has been classified as a Variant of Uncertain Significance.

Fulgent Genetics
Classification: Uncertain significance for Tibial muscular dystrophy; Myopathy, myofibrillar, 9, with early respiratory failure; Dilated cardiomyopathy 1G; Autosomal recessive limb-girdle muscular dystrophy type 2J; Early-onset myopathy with fatal cardiomyopathy; Hypertrophic cardiomyopathy 9. Last evaluated: 2021-10-22. Review status: criteria provided, single submitter. Criteria: ACMG Guidelines, 2015. Collection method: clinical testing. Allele origin: unknown.

Ambry Genetics
Classification: Uncertain significance for Cardiovascular phenotype. Last evaluated: 2020-06-16. Review status: criteria provided, single submitter. Criteria: Ambry Variant Classification Scheme 2023. Collection method: clinical testing. Allele origin: germline.
Comment: The p.E25245K variant (also known as c.75733G>A), located in coding exon 185 of the TTN gene, results from a G to A substitution at nucleotide position 75733. The glutamic acid at codon 25245 is replaced by lysine, an amino acid with similar properties. This amino acid position is well conserved in available vertebrate species. In addition, this alteration is predicted to be tolerated by in silico analysis. Since supporting evidence is limited at this time, the clinical significance of this alteration remains unclear.

Clinical Genetics DNA and cytogenetics Diagnostics Lab, Erasmus MC, Erasmus Medical Center
Classification: Uncertain significance. Review status: no assertion criteria provided. Collection method: clinical testing. Allele origin: germline. Affected: yes. Study: VKGL Data-share Consensus. Not counted in ClinVar's aggregate classification.

Clinical Genetics, Academic Medical Center
Classification: Uncertain significance. Review status: no assertion criteria provided. Collection method: clinical testing. Allele origin: germline. Affected: yes. Study: VKGL Data-share Consensus. Not counted in ClinVar's aggregate classification.

Literature cited by the submitters: PubMed 30847666 (cited by Labcorp Genetics (formerly Invitae), Labcorp).